The following is an entry in ClinVar:

NM_001378452.1(ITPR1):c.7862T>C (p.Ile2621Thr)

Genes: ITPR1 (inositol 1,4,5-trisphosphate receptor type 1; plus strand), LOC126806590 (MED14-independent group 3 enhancer GRCh37_chr3:4855759-4856958; plus strand). Cytogenetic location: 3p26.1.
Variant type: single nucleotide variant.
Coding change: c.7862T>C on transcript NM_001378452.1 (MANE Select); coding-DNA position 7862, T replaced by C.
Protein change: p.Ile2621Thr; replaces isoleucine 2621 with threonine.
Molecular consequence: missense variant.
Genome position (GRCh38, 1-based): chr3:4,815,213, T>C. VCF-style: chr3-4815213-T-C. GRCh37 (hg19) VCF-style: chr3-4856897-T-C.
Other names: c.7718T>C, p.Ile2573Thr (NM_001099952.4); c.7817T>C, p.Ile2606Thr (NM_001168272.2); c.7673T>C, p.Ile2558Thr (NM_002222.7); short protein forms I2558T, I2573T, I2606T, I2621T.
Identifiers: ClinVar variation 5020008 (VCV005020008.1).

ClinVar aggregate classification (germline): Uncertain significance (1 of 4 stars; one submission).

Conditions:
Spinocerebellar ataxia type 15/16 (SCA15). Also called: Spinocerebellar Ataxia Type 15. Identifiers: Orphanet 98769, MedGen C1847725, MONDO:0011694, OMIM 606658.
Gillespie syndrome (GLSP). Also called: Aniridia, cerebellar ataxia, and mental deficiency; Aniridia-cerebellar ataxia-intellectual disability syndrome. Identifiers: Orphanet 1065, MedGen C0431401, MONDO:0008795, OMIM 206700.
Spinocerebellar ataxia type 29 (SCA29). Also called: Spinocerebellar ataxia 29, congenital nonprogressive; CEREBELLAR ATAXIA, CONGENITAL NONPROGRESSIVE, AUTOSOMAL DOMINANT. Identifiers: Orphanet 208513, MedGen C1861732, MONDO:0007298, OMIM 117360.

Submission:

Juno Genomics, Hangzhou Juno Genomics, Inc
Classification: Uncertain significance for Spinocerebellar ataxia type 29; Gillespie syndrome; Spinocerebellar ataxia type 15/16. Review status: criteria provided, single submitter. Criteria: ACMG Guidelines, 2015. Collection method: clinical testing. Allele origin: germline. Affected: yes.
Comment: Absent from controls (or at extremely low frequency if recessive) in Genome Aggregation Database.;Multiple lines of computational evidence support a deleterious effect on the gene or gene product.;Missense variant in a gene that has a low rate of benign missense variation.